The following is an entry in ClinVar:

ClinVar aggregate classification (germline): Pathogenic (1 of 4 stars; one submission).

Submission:

Labcorp Genetics (formerly Invitae), Labcorp
Classification: Pathogenic. Last evaluated: 2022-03-20. Review status: criteria provided, single submitter. Criteria: Invitae Variant Classification Sherloc (09022015). Collection method: clinical testing. Allele origin: germline.
Comment: Algorithms developed to predict the effect of missense changes on protein structure and function are either unavailable or do not agree on the potential impact of this missense change (SIFT: "Deleterious"; PolyPhen-2: "Not Available"; Align-GVGD: "Class C0"). This missense change has been observed in individuals with Alport syndrome (PMID: 8940267, 28658201, 33040356). This variant is not present in population databases (gnomAD no frequency). This sequence change replaces glycine, which is neutral and non-polar, with aspartic acid, which is acidic and polar, at codon 681 of the COL4A5 protein (p.Gly681Asp). This variant disrupts the triple helix domain of COL4A5. Glycine residues within the Gly-Xaa-Yaa repeats of the triple helix domain are required for the structure and stability of fibrillar collagens (PMID: 7695699, 8218237, 19344236). In COL4A5, missense variants at these glycine residues are significantly enriched in individuals with disease (PMID: 23720012, 27627812) compared to the general population (ExAC). For these reasons, this variant has been classified as Pathogenic.

Literature cited by the submitters: PubMed 8940267; PubMed 28658201; PubMed 33040356; PubMed 7695699; PubMed 8218237; PubMed 19344236; PubMed 23720012; PubMed 27627812.

NM_033380.3(COL4A5):c.2042G>A (p.Gly681Asp)

Gene: COL4A5 (collagen type IV alpha 5 chain; plus strand). Cytogenetic location: Xq22.3.
Variant type: single nucleotide variant.
Coding change: c.2042G>A on transcript NM_033380.3 (MANE Select); coding-DNA position 2042, G replaced by A.
Protein change: p.Gly681Asp; replaces glycine 681 with aspartic acid.
Molecular consequence: missense variant.
Genome position (GRCh38, 1-based): chrX:108,601,885, G>A. VCF-style: chrX-108601885-G-A. GRCh37 (hg19) VCF-style: chrX-107845115-G-A.
Other names: c.2042G>A, p.Gly681Asp (NM_000495.5); short protein forms G681D.
Identifiers: ClinVar variation 2138701 (VCV002138701.4), dbSNP rs104886158, ClinGen allele CA258600.